The following is an entry in ClinVar:

NM_000179.3(MSH6):c.3114_3115del (p.Tyr1038_Asn1039delinsTer)

Gene: MSH6 (mutS homolog 6; plus strand). Cytogenetic location: 2p16.3.
Variant type: Microsatellite.
Coding change: c.3114_3115del on transcript NM_000179.3 (MANE Select); coding-DNA positions 3114 to 3115, 2 bases deleted (TA; older notation c.3114_3115delTA).
Protein change: p.Tyr1038_Asn1039delinsTer.
Molecular consequence: nonsense. On other transcripts: frameshift variant (36).
Genome position (GRCh38, 1-based): chr2:47,801,097-47,801,098, TA deleted; deleting any 2 consecutive bases within chr2:47,801,095-47,801,098 gives the same sequence; the c. name uses the placement nearest the transcript's 3' end. VCF-style (leftmost placement, unchanged base first): chr2-47801094-CTA-C. GRCh37 (hg19) VCF-style: chr2-48028233-CTA-C.
Other names: c.3112_3113TA[1], p.Tyr1038Terfs (NM_000179.2, NM_001406796.1, NM_001406798.1 and 3 more transcripts); c.2724_2725del, p.Tyr908_Asn909delinsTer (NM_001281492.2); c.2208_2209del, p.Tyr736_Asn737delinsTer (NM_001281493.2, NM_001281494.2); c.3208_3209TA[1], p.Tyr1070Terfs (NM_001406795.1, NM_001406802.1); c.2815_2816TA[1], p.Tyr939Terfs (NM_001406797.1, NM_001406801.1, NM_001406805.1 and 10 more transcripts); c.2587_2588TA[1], p.Tyr863Terfs (NM_001406799.1, NM_001406806.1, NM_001406807.1); c.3034_3035TA[1], p.Tyr1012Terfs (NM_001406804.1); c.2206_2207TA[1], p.Tyr736Terfs (NM_001406811.1, NM_001406812.1, NM_001406814.1 and 4 more transcripts); and 4 more.
Identifiers: ClinVar variation 1727780 (VCV001727780.2), dbSNP rs2530714528, ClinGen allele CA2580611368.
Genomic context (GRCh38, chr2:47,801,094, plus strand): 5'-TCTCATAAATGCTGAAGAACGGAGGGATGTATCATTGAAGGACTGCATGCGGCGACTGTT[CTA>C]TAACTTTGATAAAAATTACAAGGACTGGCAGTCTGCTGTAGAGTGTATCGCAGTGTTGGG-3'

ClinVar aggregate classification (germline): Pathogenic (1 of 4 stars; one submission).

Conditions:
Hereditary cancer-predisposing syndrome. Also called: Tumor predisposition; Neoplastic Syndromes, Hereditary; Hereditary Cancer Syndrome; Hereditary neoplastic syndrome. Identifiers: Orphanet 140162, MedGen C0027672, MeSH D009386, MONDO:0015356.

Submission:

Ambry Genetics
Classification: Pathogenic for Hereditary cancer-predisposing syndrome. Last evaluated: 2022-01-06. Review status: criteria provided, single submitter. Criteria: Ambry Variant Classification Scheme 2023. Collection method: clinical testing. Allele origin: germline.
Comment: The c.3114_3115delTA pathogenic mutation, located in coding exon 4 of the MSH6 gene, results from a deletion of two nucleotides at nucleotide positions 3114 to 3115, causing a translational frameshift with a predicted alternate stop codon (p.Y1038*). The p.Y1038* germline mutation has been reported in an individual with colorectal and pancreatic cancer (Slavin TP et al. Fam Cancer, 2018 04;17:235-245). In addition to the clinical data presented in the literature, this alteration is expected to result in loss of function by premature protein truncation or nonsense-mediated mRNA decay. As such, this alteration is interpreted as a disease-causing mutation.

Literature cited by the submitters: PubMed 28687971.